The following is an entry in ClinVar:

NM_000213.5(ITGB4):c.445C>T (p.Leu149Phe)

Gene: ITGB4 (integrin subunit beta 4; plus strand). Cytogenetic location: 17q25.1.
Variant type: single nucleotide variant.
Coding change: c.445C>T on transcript NM_000213.5 (MANE Select); coding-DNA position 445, C replaced by T.
Protein change: p.Leu149Phe; replaces leucine 149 with phenylalanine.
Molecular consequence: missense variant.
Genome position (GRCh38, 1-based): chr17:75,727,831, C>T. VCF-style: chr17-75727831-C-T. GRCh37 (hg19) VCF-style: chr17-73723912-C-T.
Other names: p.Leu149Phe; c.445C>T, p.Leu149Phe (NM_001005619.2, NM_001005731.3, NM_001321123.2 and 1 more transcripts); short protein forms L149F.
Identifiers: ClinVar variation 4088488 (VCV004088488.2).

ClinVar aggregate classification (germline): Uncertain significance. Review status: criteria provided, multiple submitters, no conflicts (2 of 4 stars). 2 submissions from 2 submitters: Uncertain significance (2). Last evaluated 2025-09-22.

Conditions:
Inborn genetic diseases. Identifiers: MedGen C0950123, MeSH D030342.

gnomAD v4.1: 9 of 1,613,782 alleles (0.00056%); highest among the groups gnomAD compares: Non-Finnish European, 0.00076%; no homozygotes.

Submissions (2):

Mayo Clinic Laboratories, Mayo Clinic
Classification: Uncertain significance. Last evaluated: 2025-09-22. Review status: criteria provided, single submitter. Criteria: ACMG Guidelines, 2015. Collection method: clinical testing. Allele origin: germline. Observed: 1 variant allele.
Comment: PP3_moderate

Ambry Genetics
Classification: Uncertain significance for Inborn genetic diseases. Last evaluated: 2025-08-11. Review status: criteria provided, single submitter. Criteria: Ambry Variant Classification Scheme 2023. Collection method: clinical testing. Allele origin: germline.